The following is an entry in ClinVar:

NM_019055.6(ROBO4):c.433G>A (p.Asp145Asn)

Gene: ROBO4 (roundabout guidance receptor 4; minus strand). Cytogenetic location: 11q24.2.
Variant type: single nucleotide variant.
Coding change: c.433G>A on transcript NM_019055.6 (MANE Select); coding-DNA position 433, G replaced by A.
Protein change: p.Asp145Asn; replaces aspartic acid 145 with asparagine.
Molecular consequence: missense variant. On other transcripts: 5 prime UTR variant (1).
Genome position (GRCh38, 1-based): chr11:124,896,638, C>T on the plus strand (G>A on the coding strand, the complement: ROBO4 is on the minus strand). VCF-style: chr11-124896638-C-T. GRCh37 (hg19) VCF-style: chr11-124766534-C-T.
Other names: c.-3G>A (NM_001301088.2); c.433G>A, p.Asp145Asn (NM_001441183.1); short protein forms D145N.
Identifiers: ClinVar variation 5002127 (VCV005002127.1).

ClinVar aggregate classification (germline): Uncertain significance (1 of 4 stars; one submission).

Conditions:
ROBO4-related disorder. Also called: ROBO4-related condition.

gnomAD v4.1: 2 of 1,614,178 alleles (0.00012%); highest among the groups gnomAD compares: Non-Finnish European, 0.00017%; no homozygotes.

Submission:

PreventionGenetics, part of Exact Sciences
Classification: Uncertain significance for ROBO4-related condition. Last evaluated: 2025-01-31. Review status: criteria provided, single submitter. Criteria: ACMG Guidelines, 2015. Collection method: clinical testing. Allele origin: germline.
Comment: The ROBO4 c.433G>A variant is predicted to result in the amino acid substitution p.Asp145Asn. To our knowledge, this variant has not been reported in the literature. This variant is reported in 0.00088% of alleles in individuals of European (non-Finnish) descent in gnomAD. At this time, the clinical significance of this variant is uncertain due to the absence of conclusive functional and genetic evidence.